The following is an entry in ClinVar:

ClinVar aggregate classification (germline): Uncertain significance (1 of 4 stars; one submission).

Conditions:
Hereditary sensory neuropathy-deafness-dementia syndrome. Also called: Hereditary sensory neuropathy type IE; HSN IE; NEUROPATHY, HEREDITARY SENSORY, WITH HEARING LOSS AND DEMENTIA; Hereditary Sensory and Autonomic Neuropathy Type 1E (HSAN1E). Identifiers: Orphanet 456318, MedGen C3279885, MONDO:0013584, OMIM 614116.

Allele frequency attached by ClinVar (database versions not stated): gnomAD exomes below 0.00001.
gnomAD v4.1: 1 of 1,614,126 alleles (0.000062%); highest among the groups gnomAD compares: Non-Finnish European, 0.000085%; no homozygotes.

Submission:

Labcorp Genetics (formerly Invitae), Labcorp
Classification: Uncertain significance for Hereditary sensory neuropathy-deafness-dementia syndrome. Last evaluated: 2022-10-09. Review status: criteria provided, single submitter. Criteria: Invitae Variant Classification Sherloc (09022015). Collection method: clinical testing. Allele origin: germline.
Comment: In summary, the available evidence is currently insufficient to determine the role of this variant in disease. Therefore, it has been classified as a Variant of Uncertain Significance. This sequence change replaces lysine, which is basic and polar, with glutamic acid, which is acidic and polar, at codon 363 of the DNMT1 protein (p.Lys363Glu). This variant is not present in population databases (gnomAD no frequency). This variant has not been reported in the literature in individuals affected with DNMT1-related conditions. Algorithms developed to predict the effect of missense changes on protein structure and function are either unavailable or do not agree on the potential impact of this missense change (SIFT: "Deleterious"; PolyPhen-2: "Benign"; Align-GVGD: "Class C0").

NM_001130823.3(DNMT1):c.1087A>G (p.Lys363Glu)

Gene: DNMT1 (DNA methyltransferase 1; minus strand). Cytogenetic location: 19p13.2.
Variant type: single nucleotide variant.
Coding change: c.1087A>G on transcript NM_001130823.3 (MANE Select); coding-DNA position 1087, A replaced by G.
Protein change: p.Lys363Glu; replaces lysine 363 with glutamic acid.
Molecular consequence: missense variant.
Genome position (GRCh38, 1-based): chr19:10,160,020, T>C on the plus strand (A>G on the coding strand, the complement: DNMT1 is on the minus strand). VCF-style: chr19-10160020-T-C. GRCh37 (hg19) VCF-style: chr19-10270696-T-C.
Other names: c.1039A>G, p.Lys347Glu (NM_001318730.2, NM_001379.4); c.724A>G, p.Lys242Glu (NM_001318731.2); short protein forms K347E, K242E, K363E.
Identifiers: ClinVar variation 1949454 (VCV001949454.5), dbSNP rs2145321265, ClinGen allele CA403940011.